The following is an entry in ClinVar:

NM_000372.5(TYR):c.890dup (p.Leu297fs)

Gene: TYR (tyrosinase; plus strand). Cytogenetic location: 11q14.3.
Variant type: Duplication.
Coding change: c.890dup on transcript NM_000372.5 (MANE Select); coding-DNA position 890, one base duplicated (T; older notation c.890dupT).
Protein change: p.Leu297fs; shifts the reading frame from leucine 297.
Molecular consequence: frameshift variant.
Genome position (GRCh38, 1-based): chr11:89,191,272, T duplicated; the last of 3 consecutive T bases (chr11:89,191,270-89,191,272); duplicating any one gives the same sequence. VCF-style (leftmost placement, unchanged base first): chr11-89191269-C-CT. GRCh37 (hg19) VCF-style: chr11-88924437-C-CT.
Other names: short protein forms L297fs.
Identifiers: ClinVar variation 1431974 (VCV001431974.8), dbSNP rs2135253219, ClinGen allele CA2573147814.

ClinVar aggregate classification (germline): Pathogenic/Likely pathogenic. Review status: criteria provided, multiple submitters, no conflicts (2 of 4 stars). 3 submissions from 3 submitters: Pathogenic (2); Likely pathogenic (1). Last evaluated 2025-09-14.

Conditions:
TYR-related disorder. Also called: TYR-related condition.
Oculocutaneous albinism type 1. Also called: Albinism 1; ALBINISM I. Identifiers: Orphanet 352731, MedGen C0268494, MONDO:0018135. Disease mechanism: loss of function.

Submissions (3):

Myriad Genetics, Inc.
Classification: Pathogenic for Oculocutaneous albinism type 1. Last evaluated: 2025-09-14. Review status: criteria provided, single submitter. Criteria: Myriad Autosomal Dominant, Autosomal Recessive and X-Linked Classification Criteria (2023). Collection method: clinical testing. Allele origin: unknown.
Comment: NM_000372.4(TYR):c.890dupT(L297Ffs*4) is expected to be pathogenic in the context of oculocutaneous albinism, TYR-related. This variant is predicted to lead to an abnormal or absent protein product due to the creation of a premature termination codon in TYR, a gene where loss-of-function variants are known to be pathogenic. Please note: this variant was assessed in the context of healthy population screening.

Labcorp Genetics (formerly Invitae), Labcorp
Classification: Pathogenic. Last evaluated: 2024-09-10. Review status: criteria provided, single submitter. Criteria: Invitae Variant Classification Sherloc (09022015). Collection method: clinical testing. Allele origin: germline.
Comment: This sequence change creates a premature translational stop signal (p.Leu297Phefs*4) in the TYR gene. It is expected to result in an absent or disrupted protein product. Loss-of-function variants in TYR are known to be pathogenic (PMID: 23504663). This variant is not present in population databases (gnomAD no frequency). This variant has not been reported in the literature in individuals affected with TYR-related conditions. ClinVar contains an entry for this variant (Variation ID: 1431974). For these reasons, this variant has been classified as Pathogenic.

Blueprint Genetics
Classification: Likely pathogenic for TYR-related disorders. Last evaluated: 2023-11-06. Review status: criteria provided, single submitter. Criteria: ACMG Guidelines, 2015. Collection method: clinical testing. Allele origin: germline. Affected: yes. Observed: 1 variant allele.

Literature cited by the submitters: PubMed 23504663 (cited by Labcorp Genetics (formerly Invitae), Labcorp).